The following is an entry in ClinVar:

ClinVar aggregate classification (germline): Uncertain significance (1 of 4 stars; one submission).

Allele frequency attached by ClinVar (database versions not stated): TOPMed below 0.00001.
gnomAD v4.1: 1 of 1,551,710 alleles (0.000064%); no homozygotes.

Submission:

Labcorp Genetics (formerly Invitae), Labcorp
Classification: Uncertain significance. Last evaluated: 2023-10-13. Review status: criteria provided, single submitter. Criteria: Invitae Variant Classification Sherloc (09022015). Collection method: clinical testing. Allele origin: germline.
Comment: This sequence change replaces lysine, which is basic and polar, with glutamic acid, which is acidic and polar, at codon 40 of the KPNA7 protein (p.Lys40Glu). This variant is not present in population databases (gnomAD no frequency). This variant has not been reported in the literature in individuals affected with KPNA7-related conditions. ClinVar contains an entry for this variant (Variation ID: 1480651). Advanced modeling of protein sequence and biophysical properties (such as structural, functional, and spatial information, amino acid conservation, physicochemical variation, residue mobility, and thermodynamic stability) performed at Invitae indicates that this missense variant is expected to disrupt KPNA7 protein function. In summary, the available evidence is currently insufficient to determine the role of this variant in disease. Therefore, it has been classified as a Variant of Uncertain Significance.

NM_001145715.3(KPNA7):c.118A>G (p.Lys40Glu)

Gene: KPNA7 (karyopherin subunit alpha 7; minus strand). Cytogenetic location: 7q22.1.
Variant type: single nucleotide variant.
Coding change: c.118A>G on transcript NM_001145715.3 (MANE Select); coding-DNA position 118, A replaced by G.
Protein change: p.Lys40Glu; replaces lysine 40 with glutamic acid.
Molecular consequence: missense variant.
Genome position (GRCh38, 1-based): chr7:99,203,189, T>C on the plus strand (A>G on the coding strand, the complement: KPNA7 is on the minus strand). VCF-style: chr7-99203189-T-C. GRCh37 (hg19) VCF-style: chr7-98800812-T-C.
Other names: short protein forms K40E.
Identifiers: ClinVar variation 1480651 (VCV001480651.8), dbSNP rs1359275801, ClinGen allele CA368421281.